The following is an entry in ClinVar:

ClinVar aggregate classification (germline): Uncertain significance (1 of 4 stars; one submission).

Conditions:
Microphthalmia with brain and digit anomalies (MCOPS6). Also called: Microphthalmia, syndromic 6; MICROPHTHALMIA AND PITUITARY ANOMALIES. Identifiers: Orphanet 139471, MedGen C1864689, MONDO:0011936, OMIM 607932.
Orofacial cleft 11 (OFC11). Also called: CLEFT LIP WITH OR WITHOUT CLEFT PALATE, NONSYNDROMIC, 11; Orofacial cleft 11; ofc11. Identifiers: MedGen C2677434, MONDO:0010906, OMIM 600625.

Allele frequency attached by ClinVar (database versions not stated): ExAC 0.00001; gnomAD 0.00002; TOPMed 0.00002; gnomAD exomes 0.00003.
gnomAD v4.1: 45 of 1,614,110 alleles (0.0028%); highest among the groups gnomAD compares: Admixed American, 0.0067%; no homozygotes.

Submission:

Labcorp Genetics (formerly Invitae), Labcorp
Classification: Uncertain significance for Microphthalmia with brain and digit anomalies; Orofacial cleft 11. Last evaluated: 2025-12-24. Review status: criteria provided, single submitter. Criteria: Invitae Variant Classification Sherloc (09022015). Collection method: clinical testing. Allele origin: germline.
Comment: This sequence change replaces threonine, which is neutral and polar, with methionine, which is neutral and non-polar, at codon 202 of the BMP4 protein (p.Thr202Met). This variant is present in population databases (rs770008356, gnomAD 0.009%). This variant has not been reported in the literature in individuals affected with BMP4-related conditions. ClinVar contains an entry for this variant (Variation ID: 2181626). Invitae Evidence Modeling of protein sequence and biophysical properties (such as structural, functional, and spatial information, amino acid conservation, physicochemical variation, residue mobility, and thermodynamic stability) has been performed for this missense variant. However, the output from this modeling did not meet the statistical confidence thresholds required to predict the impact of this variant on BMP4 protein function. In summary, the available evidence is currently insufficient to determine the role of this variant in disease. Therefore, it has been classified as a Variant of Uncertain Significance.

NM_001202.6(BMP4):c.605C>T (p.Thr202Met)

Gene: BMP4 (bone morphogenetic protein 4; minus strand). Cytogenetic location: 14q22.2.
Variant type: single nucleotide variant.
Coding change: c.605C>T on transcript NM_001202.6 (MANE Select); coding-DNA position 605, C replaced by T.
Protein change: p.Thr202Met; replaces threonine 202 with methionine.
Molecular consequence: missense variant.
Genome position (GRCh38, 1-based): chr14:53,950,654, G>A on the plus strand (C>T on the coding strand, the complement: BMP4 is on the minus strand). VCF-style: chr14-53950654-G-A. GRCh37 (hg19) VCF-style: chr14-54417372-G-A.
Other names: c.746C>T, p.Thr249Met (NM_001347912.1); c.416C>T, p.Thr139Met (NM_001347913.2, NM_001347915.2, NM_001347917.1); c.605C>T, p.Thr202Met (NM_001347914.2, NM_001347916.1, NM_130850.5 and 1 more transcripts); short protein forms T202M, T139M, T249M.
Identifiers: ClinVar variation 2181626 (VCV002181626.4), dbSNP rs770008356, ClinGen allele CA7191711.